The following is an entry in ClinVar:

ClinVar aggregate classification (germline): Uncertain significance. Review status: criteria provided, multiple submitters, no conflicts (2 of 4 stars). 2 submissions from 2 submitters: Uncertain significance (2). Last evaluated 2021-04-21.

Conditions:
Hereditary cancer-predisposing syndrome. Also called: Tumor predisposition; Hereditary Cancer Syndrome; Neoplastic Syndromes, Hereditary; Hereditary neoplastic syndrome. Identifiers: Orphanet 140162, MedGen C0027672, MeSH D009386, MONDO:0015356.

Submissions (2):

Ambry Genetics
Classification: Uncertain significance for Hereditary cancer-predisposing syndrome. Last evaluated: 2021-04-21. Review status: criteria provided, single submitter. Criteria: Ambry Variant Classification Scheme 2023. Collection method: clinical testing. Allele origin: germline.
Comment: The p.Q174R variant (also known as c.521A>G), located in coding exon 6 of the BRCA1 gene, results from an A to G substitution at nucleotide position 521. The glutamine at codon 174 is replaced by arginine, an amino acid with highly similar properties. This amino acid position is well conserved in available vertebrate species. In addition, the in silico prediction for this alteration is inconclusive. Since supporting evidence is limited at this time, the clinical significance of this alteration remains unclear.

Color Diagnostics, LLC DBA Color Health
Classification: Uncertain significance for Hereditary cancer-predisposing syndrome. Last evaluated: 2019-04-06. Review status: criteria provided, single submitter. Criteria: ACMG Guidelines, 2015. Collection method: clinical testing. Allele origin: germline.

NM_007294.4(BRCA1):c.521A>G (p.Gln174Arg)

Gene: BRCA1 (BRCA1 DNA repair associated; minus strand). Cytogenetic location: 17q21.31.
Variant type: single nucleotide variant.
Coding change: c.521A>G on transcript NM_007294.4 (MANE Select); coding-DNA position 521, A replaced by G.
Protein change: p.Gln174Arg; replaces glutamine 174 with arginine.
Molecular consequence: missense variant. On other transcripts: non-coding transcript variant (1).
Genome position (GRCh38, 1-based): chr17:43,099,801, T>C on the plus strand (A>G on the coding strand, the complement: BRCA1 is on the minus strand). VCF-style: chr17-43099801-T-C. GRCh37 (hg19) VCF-style: chr17-41251818-T-C.
Other names: c.521A>G, p.Gln174Arg (NM_001407983.1, NM_001407993.1, NM_001407990.1 and 97 more transcripts); c.518A>G, p.Gln173Arg (NM_001407984.1, NM_001407985.1, NM_001408392.1 and 65 more transcripts); c.440A>G, p.Gln147Arg (NM_001407660.1, NM_001407661.1, NM_001407662.1 and 6 more transcripts); c.443A>G, p.Gln148Arg (NM_001407663.1, NM_001407653.1, NM_001407654.1 and 12 more transcripts); c.311A>G, p.Gln104Arg (NM_001408478.1, NM_001408479.1, NM_001408480.1 and 37 more transcripts); c.308A>G, p.Gln103Arg (NM_001408490.1, NM_001408491.1, NM_001408493.1 and 18 more transcripts); c.380A>G, p.Gln127Arg (NM_001408496.1, NM_001408497.1, NM_001408498.1 and 61 more transcripts); c.377A>G, p.Gln126Arg (NM_001408503.1, NM_001408504.1, NM_001408505.1 and 35 more transcripts); and 4 more; short protein forms Q174R, Q127R, Q104R, Q148R, Q103R, Q126R, Q129R, Q47R.
Identifiers: ClinVar variation 627733 (VCV000627733.6), dbSNP rs1567806035, ClinGen allele CA10601100.